The following is an entry in ClinVar:

NM_152564.5(VPS13B):c.11886C>T (p.Pro3962=)

Gene: VPS13B (vacuolar protein sorting 13 homolog B; plus strand). Cytogenetic location: 8q22.2.
Variant type: single nucleotide variant.
Coding change: c.11886C>T on transcript NM_152564.5 (MANE Select); coding-DNA position 11886, C replaced by T.
Protein change: p.Pro3962=; no amino-acid change (proline 3962 retained).
Molecular consequence: synonymous variant.
Genome position (GRCh38, 1-based): chr8:99,875,558, C>T. VCF-style: chr8-99875558-C-T. GRCh37 (hg19) VCF-style: chr8-100887786-C-T.
Other names: c.11961C>T, p.Pro3987= (NM_017890.5).
Identifiers: ClinVar variation 3347514 (VCV003347514.2).

ClinVar aggregate classification (germline): Likely benign. Review status: no assertion criteria provided (0 of 4 stars). 2 submissions from 2 submitters: Likely benign (2). Last evaluated 2025-01-14.

Conditions:
VPS13B-related disorder. Also called: VPS13B-related condition.
Cohen syndrome (COH1). Also called: PEPPER SYNDROME; Cutis verticis gyrata, retinitis pigmentosa, and sensorineural deafness. Identifiers: Orphanet 193, MedGen C0265223, MONDO:0008999, OMIM 216550.

Submissions (2):

Natera, Inc.
Classification: Likely benign for Cohen syndrome. Last evaluated: 2025-01-14. Review status: no assertion criteria provided. Collection method: clinical testing. Allele origin: germline.

PreventionGenetics, part of Exact Sciences
Classification: Likely benign for VPS13B-related condition. Last evaluated: 2024-08-13. Review status: no assertion criteria provided. Collection method: clinical testing. Allele origin: germline.
Comment: This variant is classified as likely benign based on ACMG/AMP sequence variant interpretation guidelines (Richards et al. 2015 PMID: 25741868, with internal and published modifications).